The following is an entry in ClinVar:

ClinVar aggregate classification (germline): Benign (1 of 4 stars; one submission).

Allele frequency attached by ClinVar (database versions not stated): gnomAD 0.16617 and 0.16991; TOPMed 0.18055; 1000 Genomes Project 0.19848; 1000 Genomes Project 30x 0.20753.
gnomAD v4.1: 24,512 of 147,980 alleles (17%); highest among the groups gnomAD compares: African/African-American, 35%; 3,047 homozygotes.

Submission:

GeneDx
Classification: Benign. Last evaluated: 2018-06-19. Review status: criteria provided, single submitter. Criteria: GeneDx Variant Classification (06012015). Collection method: clinical testing. Allele origin: germline. Affected: yes.
Comment: This variant is considered likely benign or benign based on one or more of the following criteria: it is a conservative change, it occurs at a poorly conserved position in the protein, it is predicted to be benign by multiple in silico algorithms, and/or has population frequency not consistent with disease.

NM_012434.5(SLC17A5):c.701-279G>C

Gene: SLC17A5 (solute carrier family 17 member 5; minus strand). Cytogenetic location: 6q13.
Variant type: single nucleotide variant.
Coding change: c.701-279G>C on transcript NM_012434.5 (MANE Select); 279 bases into the intron before coding-DNA position 701, G replaced by C.
Molecular consequence: intron variant.
Genome position (GRCh38, 1-based): chr6:73,635,779, C>G on the plus strand (G>C on the coding strand, the complement: SLC17A5 is on the minus strand). VCF-style: chr6-73635779-C-G. GRCh37 (hg19) VCF-style: chr6-74345502-C-G.
Identifiers: ClinVar variation 672079 (VCV000672079.1), dbSNP rs525041, ClinGen allele CA12445027.
Genomic context (GRCh38, chr6:73,635,779, plus strand): 5'-CTTATACATTTTGAAGAAAACAACTTTTTTTTTTTTTTTTGAGATAGAGTCTTGCTCTGT[C>G]TCACAGGCTGGAGTGCAGTGACGTGATCTCGGCTCACTGCAACCTCCGCCTGCTGGGTTC-3'